The following is an entry in ClinVar:

ClinVar aggregate classification (germline): Uncertain significance (1 of 4 stars; one submission).

gnomAD v4.1: 4 of 1,614,000 alleles (0.00025%); highest among the groups gnomAD compares: Non-Finnish European, 0.00034%; no homozygotes.

Submission:

Labcorp Genetics (formerly Invitae), Labcorp
Classification: Uncertain significance. Last evaluated: 2024-10-30. Review status: criteria provided, single submitter. Criteria: Invitae Variant Classification Sherloc (09022015). Collection method: clinical testing. Allele origin: germline.
Comment: This sequence change replaces leucine, which is neutral and non-polar, with serine, which is neutral and polar, at codon 1106 of the SLC12A6 protein (p.Leu1106Ser). This variant is not present in population databases (gnomAD no frequency). This variant has not been reported in the literature in individuals affected with SLC12A6-related conditions. An algorithm developed to predict the effect of missense changes on protein structure and function (PolyPhen-2) suggests that this variant is likely to be tolerated. In summary, the available evidence is currently insufficient to determine the role of this variant in disease. Therefore, it has been classified as a Variant of Uncertain Significance.

NM_001365088.1(SLC12A6):c.3317T>C (p.Leu1106Ser)

Gene: SLC12A6 (solute carrier family 12 member 6; minus strand). Cytogenetic location: 15q14.
Variant type: single nucleotide variant.
Coding change: c.3317T>C on transcript NM_001365088.1 (MANE Select); coding-DNA position 3317, T replaced by C.
Protein change: p.Leu1106Ser; replaces leucine 1106 with serine.
Molecular consequence: missense variant.
Genome position (GRCh38, 1-based): chr15:34,235,225, A>G on the plus strand (T>C on the coding strand, the complement: SLC12A6 is on the minus strand). VCF-style: chr15-34235225-A-G. GRCh37 (hg19) VCF-style: chr15-34527426-A-G.
Other names: c.3140T>C, p.Leu1047Ser (NM_001042495.2, NM_001042494.2); c.3290T>C, p.Leu1097Ser (NM_001042496.2); c.3272T>C, p.Leu1091Ser (NM_001042497.2); c.3164T>C, p.Leu1055Ser (NM_005135.2); c.3317T>C, p.Leu1106Ser (NM_133647.2); short protein forms L1055S, L1047S, L1091S, L1097S, L1106S.
Identifiers: ClinVar variation 3724210 (VCV003724210.2).